The following is an entry in ClinVar:

NM_080425.4(GNAS):c.493G>C (p.Glu165Gln)

Gene: GNAS (GNAS complex locus; plus strand). Cytogenetic location: 20q13.32.
Variant type: single nucleotide variant.
Coding change: c.493G>C on transcript NM_080425.4 (MANE Plus Clinical); coding-DNA position 493, G replaced by C.
Protein change: p.Glu165Gln; replaces glutamic acid 165 with glutamine.
Molecular consequence: missense variant. On other transcripts: intron variant (3).
Genome position (GRCh38, 1-based): chr20:58,853,758, G>C. VCF-style: chr20-58853758-G-C. GRCh37 (hg19) VCF-style: chr20-57428813-G-C.
Other names: c.306G>C, p.Leu102Phe (NM_001077490.3, NM_001309883.1); c.493G>C, p.Glu165Gln (NM_001410913.1); c.*42+12872G>C (NM_016592.5); c.43+12872G>C (NM_001410912.1); c.-39+11883G>C (NM_001309861.2); short protein forms E165Q, L102F.
Identifiers: ClinVar variation 5002108 (VCV005002108.1).
Genomic context (GRCh38, chr20:58,853,758, plus strand): 5'-AGTGGTGCCAGACCAGGCCTGGGAGGATACAGCCCTCCACCAGAAGAAGCTATGCCCTTT[G>C]AGTTTGACCAGCCTGCCCAGAGAGGCTGCAGTCAACTTCTCTTACAGGTCCCAGACCTTG-3'
Protein context (NP_536350.2, residues 155-175): SPPPEEAMPF[Glu165Gln]FDQPAQRGCS

ClinVar aggregate classification (germline): Uncertain significance (1 of 4 stars; one submission).

Conditions:
GNAS-related disorder. Identifiers: MedGen CN380105.

Submission:

PreventionGenetics, part of Exact Sciences
Classification: Uncertain significance for GNAS-related condition. Last evaluated: 2025-06-12. Review status: criteria provided, single submitter. Criteria: ACMG Guidelines, 2015. Collection method: clinical testing. Allele origin: germline.
Comment: The GNAS c.493G>C variant is predicted to result in the amino acid substitution p.Glu165Gln. To our knowledge, this variant has not been reported in the literature or in a large population database (gnomAD), indicating this variant is rare. At this time, the clinical significance of this variant is uncertain due to the absence of conclusive functional and genetic evidence.